The following is an entry in ClinVar:

ClinVar aggregate classification (germline): Uncertain significance (1 of 4 stars; one submission).

Conditions:
Hereditary pulmonary alveolar proteinosis. Also called: Pulmonary surfactant metabolism dysfunction. Identifiers: Orphanet 264675, MedGen C3711368, MONDO:0012580.

Submission:

Ambry Genetics
Classification: Uncertain significance for Hereditary pulmonary alveolar proteinosis. Last evaluated: 2025-04-20. Review status: criteria provided, single submitter. Criteria: Ambry Variant Classification Scheme 2023. Collection method: clinical testing. Allele origin: germline.
Comment: The p.D1439H variant (also known as c.4315G>C), located in coding exon 25 of the ABCA3 gene, results from a G to C substitution at nucleotide position 4315. The aspartic acid at codon 1439 is replaced by histidine, an amino acid with similar properties. This amino acid position is conserved. In addition, this alteration is predicted to be deleterious by in silico analysis. Based on the available evidence, the clinical significance of this variant remains unclear.

NM_001089.3(ABCA3):c.4315G>C (p.Asp1439His)

Gene: ABCA3 (ATP binding cassette subfamily A member 3; minus strand). Cytogenetic location: 16p13.3.
Variant type: single nucleotide variant.
Coding change: c.4315G>C on transcript NM_001089.3 (MANE Select); coding-DNA position 4315, G replaced by C.
Protein change: p.Asp1439His; replaces aspartic acid 1439 with histidine.
Molecular consequence: missense variant.
Genome position (GRCh38, 1-based): chr16:2,281,071, C>G on the plus strand (G>C on the coding strand, the complement: ABCA3 is on the minus strand). VCF-style: chr16-2281071-C-G. GRCh37 (hg19) VCF-style: chr16-2331072-C-G.
Other names: short protein forms D1439H.
Identifiers: ClinVar variation 3953859 (VCV003953859.1).